The following is an entry in ClinVar:

NM_001939.3(DRP2):c.503C>G (p.Ala168Gly)

Gene: DRP2 (dystrophin related protein 2; plus strand). Cytogenetic location: Xq22.1.
Variant type: single nucleotide variant.
Coding change: c.503C>G on transcript NM_001939.3 (MANE Select); coding-DNA position 503, C replaced by G.
Protein change: p.Ala168Gly; replaces alanine 168 with glycine.
Molecular consequence: missense variant.
Genome position (GRCh38, 1-based): chrX:101,239,045, C>G. VCF-style: chrX-101239045-C-G. GRCh37 (hg19) VCF-style: chrX-100494034-C-G.
Other names: c.269C>G, p.Ala90Gly (NM_001171184.2); short protein forms A90G, A168G.
Identifiers: ClinVar variation 4768043 (VCV004768043.1).

ClinVar aggregate classification (germline): Uncertain significance (1 of 4 stars; one submission).

gnomAD v4.1: 3 of 1,209,027 alleles (0.00025%); highest among the groups gnomAD compares: South Asian, 0.0035%; no homozygotes.

Submission:

Labcorp Genetics (formerly Invitae), Labcorp
Classification: Uncertain significance. Last evaluated: 2025-11-09. Review status: criteria provided, single submitter. Criteria: Invitae Variant Classification Sherloc (09022015). Collection method: clinical testing. Allele origin: germline.
Comment: This sequence change replaces alanine, which is neutral and non-polar, with glycine, which is neutral and non-polar, at codon 168 of the DRP2 protein (p.Ala168Gly). This variant is present in population databases (no rsID available, gnomAD 0.005%). This variant has not been reported in the literature in individuals affected with DRP2-related conditions. Invitae Evidence Modeling of protein sequence and biophysical properties (such as structural, functional, and spatial information, amino acid conservation, physicochemical variation, residue mobility, and thermodynamic stability) indicates that this missense variant is not expected to disrupt DRP2 protein function with a negative predictive value of 80%. In summary, the available evidence is currently insufficient to determine the role of this variant in disease. Therefore, it has been classified as a Variant of Uncertain Significance.